The following is an entry in ClinVar:

NM_001130823.3(DNMT1):c.637G>A (p.Asp213Asn)

Gene: DNMT1 (DNA methyltransferase 1; minus strand). Cytogenetic location: 19p13.2.
Variant type: single nucleotide variant.
Coding change: c.637G>A on transcript NM_001130823.3 (MANE Select); coding-DNA position 637, G replaced by A.
Protein change: p.Asp213Asn; replaces aspartic acid 213 with asparagine.
Molecular consequence: missense variant.
Genome position (GRCh38, 1-based): chr19:10,175,551, C>T on the plus strand (G>A on the coding strand, the complement: DNMT1 is on the minus strand). VCF-style: chr19-10175551-C-T. GRCh37 (hg19) VCF-style: chr19-10286227-C-T.
Other names: c.589G>A, p.Asp197Asn (NM_001318730.2, NM_001379.4); c.274G>A, p.Asp92Asn (NM_001318731.2); short protein forms D197N, D213N, D92N.
Identifiers: ClinVar variation 2786942 (VCV002786942.3), dbSNP rs2513878664, ClinGen allele CA403944306.
Genomic context (GRCh38, chr19:10,175,551, plus strand): 5'-AAATACACCAAGTTAAGGTAGAGTCAGGAAATGAAAGCACTGGCCCTACCTGGTCTTTGT[C>T]TTCTTCCTTGATGGACTCATCCGATTTGGCTCTTTCAGACTCTTCCTGAGGTTTCCGTTT-3'
Protein context (NP_001124295.1, residues 203-223): AKSDESIKEE[Asp213Asn]KDQDEKRRRV

ClinVar aggregate classification (germline): Uncertain significance (1 of 4 stars; one submission).

Conditions:
Hereditary sensory neuropathy-deafness-dementia syndrome. Also called: Hereditary sensory neuropathy type IE; HSN IE; NEUROPATHY, HEREDITARY SENSORY, WITH HEARING LOSS AND DEMENTIA; Hereditary Sensory and Autonomic Neuropathy Type 1E (HSAN1E). Identifiers: Orphanet 456318, MedGen C3279885, MONDO:0013584, OMIM 614116.

Submission:

Labcorp Genetics (formerly Invitae), Labcorp
Classification: Uncertain significance for Hereditary sensory neuropathy-deafness-dementia syndrome. Last evaluated: 2023-09-04. Review status: criteria provided, single submitter. Criteria: Invitae Variant Classification Sherloc (09022015). Collection method: clinical testing. Allele origin: germline.
Comment: This variant has not been reported in the literature in individuals affected with DNMT1-related conditions. This variant is not present in population databases (gnomAD no frequency). This sequence change replaces aspartic acid, which is acidic and polar, with asparagine, which is neutral and polar, at codon 213 of the DNMT1 protein (p.Asp213Asn). An algorithm developed to predict the effect of missense changes on protein structure and function (PolyPhen-2) suggests that this variant is likely to be disruptive. In summary, the available evidence is currently insufficient to determine the role of this variant in disease. Therefore, it has been classified as a Variant of Uncertain Significance.